The following is an entry in ClinVar:

ClinVar aggregate classification (germline): Pathogenic (1 of 4 stars; one submission).

Submission:

Labcorp Genetics (formerly Invitae), Labcorp
Classification: Pathogenic. Last evaluated: 2023-04-13. Review status: criteria provided, single submitter. Criteria: Invitae Variant Classification Sherloc (09022015). Collection method: clinical testing. Allele origin: germline.
Comment: For these reasons, this variant has been classified as Pathogenic. This sequence change creates a premature translational stop signal (p.Glu450Argfs*3) in the ATP2A2 gene. It is expected to result in an absent or disrupted protein product. Loss-of-function variants in ATP2A2 are known to be pathogenic (PMID: 10080178, 10441324). This variant is not present in population databases (gnomAD no frequency). This variant has not been reported in the literature in individuals affected with ATP2A2-related conditions.

Literature cited by the submitters: PubMed 10080178; PubMed 10441324.

NM_170665.4(ATP2A2):c.1348del (p.Glu450fs)

Gene: ATP2A2 (ATPase sarcoplasmic/endoplasmic reticulum Ca2+ transporting 2; plus strand). Cytogenetic location: 12q24.11.
Variant type: Deletion.
Coding change: c.1348del on transcript NM_170665.4 (MANE Select); coding-DNA position 1348, one base deleted (G; older notation c.1348delG).
Protein change: p.Glu450fs; shifts the reading frame from glutamic acid 450.
Molecular consequence: frameshift variant.
Genome position (GRCh38, 1-based): chr12:110,334,072, G deleted. VCF-style (leftmost placement, unchanged base first): chr12-110334071-AG-A. GRCh37 (hg19) VCF-style: chr12-110771876-AG-A.
Other names: c.1243del, p.Glu415fs (NM_001413013.1); c.1348del, p.Glu450fs (NM_001413014.1, NM_001681.4); c.973del, p.Glu325fs (NM_001413015.1); short protein forms E450fs, E325fs, E415fs.
Identifiers: ClinVar variation 2831942 (VCV002831942.3), dbSNP rs2548557919, ClinGen allele CA2739277311.
Genomic context (GRCh38, chr12:110,334,071, plus strand): 5'-GGCAAAGGGTGTGTATGAAAAAGTTGGAGAAGCTACAGAGACTGCTCTCACTTGCCTAGT[AG>A]AGAAGATGAATGTATTTGATACCGAATTGAAGGGTCTTTCTAAAATAGAACGTGCAAATG-3'